The following is an entry in ClinVar:

NM_004385.5(VCAN):c.10063C>T (p.Pro3355Ser)

Gene: VCAN (versican; plus strand). Cytogenetic location: 5q14.3.
Variant type: single nucleotide variant.
Coding change: c.10063C>T on transcript NM_004385.5 (MANE Select); coding-DNA position 10063, C replaced by T.
Protein change: p.Pro3355Ser; replaces proline 3355 with serine.
Molecular consequence: missense variant.
Genome position (GRCh38, 1-based): chr5:83,580,162, C>T. VCF-style: chr5-83580162-C-T. GRCh37 (hg19) VCF-style: chr5-82875981-C-T.
Other names: c.1840C>T, p.Pro614Ser (NM_001126336.3); c.7102C>T, p.Pro2368Ser (NM_001164097.2); c.4801C>T, p.Pro1601Ser (NM_001164098.2); short protein forms P3355S, P1601S, P2368S, P614S.
Identifiers: ClinVar variation 3703183 (VCV003703183.2).

ClinVar aggregate classification (germline): Uncertain significance (1 of 4 stars; one submission).

gnomAD v4.1: 29 of 1,613,970 alleles (0.0018%); highest among the groups gnomAD compares: African/African-American, 0.0053%; no homozygotes.

Submission:

Labcorp Genetics (formerly Invitae), Labcorp
Classification: Uncertain significance. Last evaluated: 2025-12-01. Review status: criteria provided, single submitter. Criteria: Invitae Variant Classification Sherloc (09022015). Collection method: clinical testing. Allele origin: germline.
Comment: This sequence change replaces proline, which is neutral and non-polar, with serine, which is neutral and polar, at codon 3355 of the VCAN protein (p.Pro3355Ser). This variant is present in population databases (rs572990120, gnomAD 0.01%). This variant has not been reported in the literature in individuals affected with VCAN-related conditions. ClinVar contains an entry for this variant (Variation ID: 3703183). An algorithm developed to predict the effect of missense changes on protein structure and function (PolyPhen-2) suggests that this variant is likely to be tolerated. In summary, the available evidence is currently insufficient to determine the role of this variant in disease. Therefore, it has been classified as a Variant of Uncertain Significance.